The following is an entry in ClinVar:

NM_023936.2(MRPS34):c.83C>T (p.Pro28Leu)

Genes: EME2 (essential meiotic structure-specific endonuclease subunit 2; plus strand), MRPS34 (mitochondrial ribosomal protein S34; minus strand). Cytogenetic location: 16p13.3.
Variant type: single nucleotide variant.
Coding change: c.83C>T on transcript NM_023936.2 (MANE Select); coding-DNA position 83, C replaced by T.
Protein change: p.Pro28Leu; replaces proline 28 with leucine.
Molecular consequence: missense variant. On other transcripts: 5 prime UTR variant (1).
Genome position (GRCh38, 1-based): chr16:1,773,037, G>A on the plus strand (C>T on the coding strand, the complement: MRPS34 is on the minus strand). VCF-style: chr16-1773037-G-A. GRCh37 (hg19) VCF-style: chr16-1823038-G-A.
Other names: c.-191G>A (NM_001257370.2); c.83C>T, p.Pro28Leu (NM_001300900.2); short protein forms P28L.
Identifiers: ClinVar variation 4692863 (VCV004692863.1).

ClinVar aggregate classification (germline): Uncertain significance (1 of 4 stars; one submission).

gnomAD v4.1: 2 of 1,437,058 alleles (0.00014%); highest among the groups gnomAD compares: African/African-American, 0.0015%; no homozygotes.

Submission:

Labcorp Genetics (formerly Invitae), Labcorp
Classification: Uncertain significance. Last evaluated: 2025-08-08. Review status: criteria provided, single submitter. Criteria: Invitae Variant Classification Sherloc (09022015). Collection method: clinical testing. Allele origin: germline.
Comment: This sequence change replaces proline, which is neutral and non-polar, with leucine, which is neutral and non-polar, at codon 28 of the MRPS34 protein (p.Pro28Leu). This variant is not present in population databases (gnomAD no frequency). This variant has not been reported in the literature in individuals affected with MRPS34-related conditions. An algorithm developed to predict the effect of missense changes on protein structure and function (PolyPhen-2) suggests that this variant is likely to be disruptive. In summary, the available evidence is currently insufficient to determine the role of this variant in disease. Therefore, it has been classified as a Variant of Uncertain Significance.